The following is an entry in ClinVar:

ClinVar aggregate classification (germline): Likely pathogenic (1 of 4 stars; one submission).

Conditions:
Dystonia 25 (DYT25). Also called: DYT-GNAL. Identifiers: Orphanet 329466, MedGen C4304670, MONDO:0014033, OMIM 615073.

Submission:

MVZ Medizinische Genetik Mainz
Classification: Likely pathogenic for Dystonia 25. Last evaluated: 2026-05-06. Review status: criteria provided, single submitter. Criteria: UK Practice Guidelines For Variant Classification V4 01 2020. Collection method: clinical testing. Allele origin: germline. Inheritance: Autosomal dominant inheritance. Affected: yes. Observed: 1 variant allele.
Comment: ACMG Criteria: PP3_STR,PM2_SUP,PP2,PP4

NM_182978.4(GNAL):c.1069A>G (p.Lys357Glu)

Gene: GNAL (G protein subunit alpha L; plus strand). Cytogenetic location: 18p11.21.
Variant type: single nucleotide variant.
Coding change: c.1069A>G on transcript NM_182978.4 (MANE Select); coding-DNA position 1069, A replaced by G.
Protein change: p.Lys357Glu; replaces lysine 357 with glutamic acid.
Molecular consequence: missense variant.
Genome position (GRCh38, 1-based): chr18:11,872,305, A>G. VCF-style: chr18-11872305-A-G. GRCh37 (hg19) VCF-style: chr18-11872304-A-G.
Other names: c.838A>G, p.Lys280Glu (NM_001142339.3, NM_001261443.2, NM_001369387.1); c.217A>G, p.Lys73Glu (NM_001261444.2); short protein forms K280E, K357E, K73E.
Identifiers: ClinVar variation 4852342 (VCV004852342.1).
Genomic context (GRCh38, chr18:11,872,305, plus strand): 5'-TATGTTTATTTTTCCTTTTTTAGGTGGTTACGGACCATTTCTATCATCTTGTTCTTGAAC[A>G]AACAAGATATGCTGGCAGAAAAAGTCTTGGCAGGGAAATCAAAAATTGAAGACTATTTCC-3'
Protein context (NP_892023.1, residues 347-367): RTISIILFLN[Lys357Glu]QDMLAEKVLA